The following is an entry in ClinVar:

NM_018006.5(TRMU):c.278G>A (p.Arg93Lys)

Gene: TRMU (tRNA mitochondrial 2-thiouridylase; plus strand). Cytogenetic location: 22q13.31.
Variant type: single nucleotide variant.
Coding change: c.278G>A on transcript NM_018006.5 (MANE Select); coding-DNA position 278, G replaced by A.
Protein change: p.Arg93Lys; replaces arginine 93 with lysine.
Molecular consequence: missense variant. On other transcripts: non-coding transcript variant (1), intron variant (3).
Genome position (GRCh38, 1-based): chr22:46,343,291, G>A. VCF-style: chr22-46343291-G-A. GRCh37 (hg19) VCF-style: chr22-46739188-G-A.
Other names: c.278G>A, p.Arg93Lys (NM_001008568.2, NM_001282785.2); c.14-3131G>A (NM_001282782.2); c.-6-3131G>A (NM_001282783.2, NM_001282784.2); short protein forms R93K.
Identifiers: ClinVar variation 2148325 (VCV002148325.1), dbSNP rs143602034, ClinGen allele CA325166156.

ClinVar aggregate classification (germline): Uncertain significance (1 of 4 stars; one submission).

Allele frequency attached by ClinVar (database versions not stated): gnomAD exomes below 0.00001; gnomAD 0.00003; TOPMed 0.00003; ESP Exome Variant Server 0.00008.

Submission:

Labcorp Genetics (formerly Invitae), Labcorp
Classification: Uncertain significance. Last evaluated: 2022-06-16. Review status: criteria provided, single submitter. Criteria: Invitae Variant Classification Sherloc (09022015). Collection method: clinical testing. Allele origin: germline.
Comment: This sequence change replaces arginine, which is basic and polar, with lysine, which is basic and polar, at codon 93 of the TRMU protein (p.Arg93Lys). This variant is present in population databases (rs143602034, gnomAD 0.02%). This variant has not been reported in the literature in individuals affected with TRMU-related conditions. Algorithms developed to predict the effect of missense changes on protein structure and function (SIFT, PolyPhen-2, Align-GVGD) all suggest that this variant is likely to be tolerated. In summary, the available evidence is currently insufficient to determine the role of this variant in disease. Therefore, it has been classified as a Variant of Uncertain Significance.